The following is an entry in ClinVar:

ClinVar aggregate classification (germline): Likely benign (1 of 4 stars; one submission).

gnomAD v4.1: 2,845 of 1,599,658 alleles (0.18%); highest among the groups gnomAD compares: Non-Finnish European, 0.17%; 11 homozygotes.

Submission:

GeneDx
Classification: Likely benign. Last evaluated: 2020-12-03. Review status: criteria provided, single submitter. Criteria: GeneDx Variant Classification Process June 2021. Collection method: clinical testing. Allele origin: germline. Affected: yes.
Comment: See Variant Classification Assertion Criteria.

NM_001126108.2(SLC12A3):c.601+21C>T

Gene: SLC12A3 (solute carrier family 12 member 3; plus strand). Cytogenetic location: 16q13.
Variant type: single nucleotide variant.
Coding change: c.601+21C>T on transcript NM_001126108.2 (MANE Select); 21 bases into the intron after coding-DNA position 601, C replaced by T.
Molecular consequence: intron variant.
Genome position (GRCh38, 1-based): chr16:56,869,845, C>T. VCF-style: chr16-56869845-C-T. GRCh37 (hg19) VCF-style: chr16-56903757-C-T.
Other names: c.601+21C>T (NM_000339.3); c.598+21C>T (NM_001126107.2, NM_001410896.1).
Identifiers: ClinVar variation 4813946 (VCV004813946.1).